The following is an entry in ClinVar:

NM_001035.3(RYR2):c.8522C>T (p.Ala2841Val)

Gene: RYR2 (ryanodine receptor 2; plus strand). Cytogenetic location: 1q43.
Variant type: single nucleotide variant.
Coding change: c.8522C>T on transcript NM_001035.3 (MANE Select); coding-DNA position 8522, C replaced by T.
Protein change: p.Ala2841Val; replaces alanine 2841 with valine.
Molecular consequence: missense variant.
Genome position (GRCh38, 1-based): chr1:237,667,890, C>T. VCF-style: chr1-237667890-C-T. GRCh37 (hg19) VCF-style: chr1-237831190-C-T.
Other names: short protein forms A2841V.
Identifiers: ClinVar variation 3359720 (VCV003359720.2).

ClinVar aggregate classification (germline): Uncertain significance. Review status: criteria provided, multiple submitters, no conflicts (2 of 4 stars). 2 submissions from 2 submitters: Uncertain significance (2). Last evaluated 2024-08-06.

Conditions:
Cardiovascular phenotype. Identifiers: MedGen CN230736.

Submissions (2):

Ambry Genetics
Classification: Uncertain significance for Cardiovascular phenotype. Last evaluated: 2024-08-06. Review status: criteria provided, single submitter. Criteria: Ambry Variant Classification Scheme 2023. Collection method: clinical testing. Allele origin: germline.
Comment: The p.A2841V variant (also known as c.8522C>T), located in coding exon 58 of the RYR2 gene, results from a C to T substitution at nucleotide position 8522. The alanine at codon 2841 is replaced by valine, an amino acid with similar properties. This amino acid position is highly conserved in available vertebrate species. In addition, the in silico prediction for this alteration is inconclusive. Based on the available evidence, the clinical significance of this variant remains unclear.

GeneDx
Classification: Uncertain significance. Last evaluated: 2023-06-12. Review status: criteria provided, single submitter. Criteria: GeneDx Variant Classification Process June 2021. Collection method: clinical testing. Allele origin: germline. Affected: yes.
Comment: Has not been previously published as pathogenic or benign to our knowledge; Not observed at significant frequency in large population cohorts (gnomAD); Not located in one of the three hot-spot regions of the RYR2 gene, where the majority of pathogenic missense variants occur (Medeiros-Domingo et al., 2009); In silico analysis supports that this missense variant does not alter protein structure/function; This variant is associated with the following publications: (PMID: 19926015)